The following is an entry in ClinVar:

ClinVar aggregate classification (germline): Uncertain significance (1 of 4 stars; one submission).

Allele frequency attached by ClinVar (database versions not stated): gnomAD exomes below 0.00001; ExAC 0.00001.
gnomAD v4.1: 1 of 1,545,326 alleles (0.000065%); highest among the groups gnomAD compares: Admixed American, 0.0019%; no homozygotes.

Submission:

Labcorp Genetics (formerly Invitae), Labcorp
Classification: Uncertain significance. Last evaluated: 2023-08-23. Review status: criteria provided, single submitter. Criteria: Invitae Variant Classification Sherloc (09022015). Collection method: clinical testing. Allele origin: germline.
Comment: In summary, the available evidence is currently insufficient to determine the role of this variant in disease. Therefore, it has been classified as a Variant of Uncertain Significance. Variants that disrupt the consensus splice site are a relatively common cause of aberrant splicing (PMID: 17576681, 9536098). Algorithms developed to predict the effect of sequence changes on RNA splicing suggest that this variant is not likely to affect RNA splicing. This variant has not been reported in the literature in individuals affected with JAK2-related conditions. This variant is present in population databases (rs766444269, gnomAD 0.004%). This sequence change falls in intron 10 of the JAK2 gene. It does not directly change the encoded amino acid sequence of the JAK2 protein. It affects a nucleotide within the consensus splice site.

Literature cited by the submitters: PubMed 17576681; PubMed 9536098.

NM_004972.4(JAK2):c.1327-3C>T

Genes: INSL6 (insulin like 6; minus strand), JAK2 (Janus kinase 2; plus strand). Cytogenetic location: 9p24.1.
Variant type: single nucleotide variant.
Coding change: c.1327-3C>T on transcript NM_004972.4 (MANE Select); 3 bases into the intron before coding-DNA position 1327, C replaced by T.
Molecular consequence: intron variant.
Genome position (GRCh38, 1-based): chr9:5,069,019, C>T. VCF-style: chr9-5069019-C-T. GRCh37 (hg19) VCF-style: chr9-5069019-C-T.
Other names: c.1327-3C>T (NM_001322194.2, NM_001322195.2, NM_001322196.2); c.112-3C>T (NM_001322198.2, NM_001322199.2); c.880-3C>T (NM_001322204.2).
Identifiers: ClinVar variation 2976400 (VCV002976400.3), dbSNP rs766444269, ClinGen allele CA4971826.